The following is an entry in ClinVar:

ClinVar aggregate classification (germline): Uncertain significance (1 of 4 stars; one submission).

Conditions:
Primary ciliary dyskinesia. Also called: Ciliary dyskinesia. Identifiers: Orphanet 244, MedGen C0008780, MONDO:0016575, HP:0012265.

Submission:

Ambry Genetics
Classification: Uncertain significance for Primary ciliary dyskinesia. Last evaluated: 2024-05-19. Review status: criteria provided, single submitter. Criteria: Ambry Variant Classification Scheme 2023. Collection method: clinical testing. Allele origin: germline.
Comment: The p.T3308P variant (also known as c.9922A>C), located in coding exon 59 of the DNAH5 gene, results from an A to C substitution at nucleotide position 9922. The threonine at codon 3308 is replaced by proline, an amino acid with highly similar properties. This amino acid position is conserved. In addition, this alteration is predicted to be deleterious by in silico analysis. Based on the available evidence, the clinical significance of this variant remains unclear.

NM_001369.3(DNAH5):c.9922A>C (p.Thr3308Pro)

Gene: DNAH5 (dynein axonemal heavy chain 5; minus strand). Cytogenetic location: 5p15.2.
Variant type: single nucleotide variant.
Coding change: c.9922A>C on transcript NM_001369.3 (MANE Select); coding-DNA position 9922, A replaced by C.
Protein change: p.Thr3308Pro; replaces threonine 3308 with proline.
Molecular consequence: missense variant.
Genome position (GRCh38, 1-based): chr5:13,766,155, T>G on the plus strand (A>C on the coding strand, the complement: DNAH5 is on the minus strand). VCF-style: chr5-13766155-T-G. GRCh37 (hg19) VCF-style: chr5-13766264-T-G.
Other names: short protein forms T3308P.
Identifiers: ClinVar variation 3272852 (VCV003272852.1).